The following is an entry in ClinVar:

ClinVar aggregate classification (germline): Pathogenic/Likely pathogenic. Review status: criteria provided, multiple submitters, no conflicts (2 of 4 stars). 3 submissions from 3 submitters: Pathogenic (1); Likely pathogenic (2). Last evaluated 2025-11-09.

Conditions:
Multiple acyl-CoA dehydrogenase deficiency (MADD). Also called: Glutaric Acidemia type 2; Glutaric aciduria, type 2; ETHYLMALONIC-ADIPICACIDURIA; GA II; Glutaric acidemia type II; GA 2. Identifiers: Orphanet 26791, MedGen C0268596, MONDO:0009282, OMIM 231680.

Submissions (3):

Labcorp Genetics (formerly Invitae), Labcorp
Classification: Pathogenic for Multiple acyl-CoA dehydrogenase deficiency. Last evaluated: 2025-11-09. Review status: criteria provided, single submitter. Criteria: Invitae Variant Classification Sherloc (09022015). Collection method: clinical testing. Allele origin: germline.
Comment: This sequence change creates a premature translational stop signal (p.Leu478*) in the ETFDH gene. It is expected to result in an absent or disrupted protein product. Loss-of-function variants in ETFDH are known to be pathogenic (PMID: 16510302, 23785301). This variant is present in population databases (no rsID available, gnomAD 0.007%). This variant has not been reported in the literature in individuals affected with ETFDH-related conditions. ClinVar contains an entry for this variant (Variation ID: 2176429). For these reasons, this variant has been classified as Pathogenic.

Baylor Genetics
Classification: Likely pathogenic for Multiple acyl-CoA dehydrogenase deficiency. Last evaluated: 2024-02-14. Review status: criteria provided, single submitter. Criteria: ACMG Guidelines, 2015. Collection method: clinical testing. Allele origin: unknown.

Fulgent Genetics
Classification: Likely pathogenic for Multiple acyl-CoA dehydrogenase deficiency. Last evaluated: 2024-01-02. Review status: criteria provided, single submitter. Criteria: ACMG Guidelines, 2015. Collection method: clinical testing. Allele origin: germline.

Literature cited by the submitters: PubMed 16510302 (cited by Labcorp Genetics (formerly Invitae), Labcorp); PubMed 23785301 (cited by Labcorp Genetics (formerly Invitae), Labcorp).

NM_004453.4(ETFDH):c.1433del (p.Ile477_Leu478insTer)

Gene: ETFDH (electron transfer flavoprotein dehydrogenase; plus strand). Cytogenetic location: 4q32.1.
Variant type: Deletion.
Coding change: c.1433del on transcript NM_004453.4 (MANE Select); coding-DNA position 1433, one base deleted (T; older notation c.1433delT).
Protein change: p.Ile477_Leu478insTer.
Molecular consequence: nonsense.
Genome position (GRCh38, 1-based): chr4:158,706,336, T deleted; the last of 2 consecutive T bases (chr4:158,706,335-158,706,336); deleting either gives the same sequence. VCF-style (leftmost placement, unchanged base first): chr4-158706334-AT-A. GRCh37 (hg19) VCF-style: chr4-159627486-AT-A.
Other names: c.1292del, p.Ile430_Leu431insTer (NM_001281737.2); c.1250del, p.Ile416_Leu417insTer (NM_001281738.1).
Identifiers: ClinVar variation 2176429 (VCV002176429.7), dbSNP rs966234208, ClinGen allele CA108819159.